The following is an entry in ClinVar:

NM_002465.4(MYBPC1):c.*317C>A

Gene: MYBPC1 (myosin binding protein C1; plus strand). Cytogenetic location: 12q23.2.
Variant type: single nucleotide variant.
Coding change: c.*317C>A on transcript NM_002465.4 (MANE Select); 317 bases downstream of the stop codon, C replaced by A.
Molecular consequence: 3 prime UTR variant.
Genome position (GRCh38, 1-based): chr12:101,685,879, C>A. VCF-style: chr12-101685879-C-A. GRCh37 (hg19) VCF-style: chr12-102079657-C-A.
Identifiers: ClinVar variation 306757 (VCV000306757.7), dbSNP rs192569541, ClinGen allele CA10636098.

ClinVar aggregate classification (germline): Benign (1 of 4 stars; one submission).

Conditions:
Arthrogryposis, distal, type 1B. Identifiers: Orphanet 1146, MedGen C3280526, MONDO:0013698, OMIM 614335.

Allele frequency attached by ClinVar (database versions not stated): gnomAD 0.00015 and 0.00014; TOPMed 0.00014; gnomAD exomes 0.00017; 1000 Genomes Project 0.00080; 1000 Genomes Project 30x 0.00031.
gnomAD v4.1: 85 of 482,182 alleles (0.018%); highest among the groups gnomAD compares: Admixed American, 0.037%; no homozygotes.

Submission:

Illumina Laboratory Services, Illumina
Classification: Benign for Arthrogryposis, distal, type 1B. Last evaluated: 2018-01-13. Review status: criteria provided, single submitter. Criteria: ICSL Variant Classification Criteria 13 December 2019. Collection method: clinical testing. Allele origin: germline.
Comment: This variant was observed in the ICSL laboratory as part of a predisposition screen in an ostensibly healthy population. It had not been previously curated by ICSL or reported in the Human Gene Mutation Database (HGMD: prior to June 1st, 2018), and was therefore a candidate for classification through an automated scoring system. Utilizing variant allele frequency, disease prevalence and penetrance estimates, and inheritance mode, an automated score was calculated to assess if this variant is too frequent to cause the disease. Based on the score and internal cut-off values, a variant classified as benign is not then subjected to further curation. The score for this variant resulted in a classification of benign for this disease.